The following is an entry in ClinVar:

ClinVar aggregate classification (germline): Uncertain significance. Review status: criteria provided, multiple submitters, no conflicts (2 of 4 stars). 2 submissions from 2 submitters: Uncertain significance (2). Last evaluated 2024-11-01.

Submissions (2):

GeneDx
Classification: Uncertain significance. Last evaluated: 2024-11-01. Review status: criteria provided, single submitter. Criteria: GeneDx Variant Classification Process June 2021. Collection method: clinical testing. Allele origin: germline. Affected: yes.
Comment: Not observed at significant frequency in large population cohorts (gnomAD); In silico analysis supports that this missense variant has a deleterious effect on protein structure/function; Has not been previously published as pathogenic or benign to our knowledge

Ambry Genetics
Classification: Uncertain significance. Last evaluated: 2024-02-05. Review status: criteria provided, single submitter. Criteria: Ambry Variant Classification Scheme 2023. Collection method: clinical testing. Allele origin: germline.

NM_020922.5(WNK3):c.1459C>T (p.Arg487Trp)

Gene: WNK3 (WNK lysine deficient protein kinase 3; minus strand). Cytogenetic location: Xp11.22.
Variant type: single nucleotide variant.
Coding change: c.1459C>T on transcript NM_020922.5 (MANE Select); coding-DNA position 1459, C replaced by T.
Protein change: p.Arg487Trp; replaces arginine 487 with tryptophan.
Molecular consequence: missense variant.
Genome position (GRCh38, 1-based): chrX:54,294,787, G>A on the plus strand (C>T on the coding strand, the complement: WNK3 is on the minus strand). VCF-style: chrX-54294787-G-A. GRCh37 (hg19) VCF-style: chrX-54321220-G-A.
Other names: c.1459C>T, p.Arg487Trp (NM_001002838.4, NM_001395166.1); short protein forms R487W.
Identifiers: ClinVar variation 3190661 (VCV003190661.2), dbSNP rs2521679072, ClinGen allele CA413345697.